The following is an entry in ClinVar:

NM_000260.4(MYO7A):c.3002T>G (p.Phe1001Cys)

Gene: MYO7A (myosin VIIA; plus strand). Cytogenetic location: 11q13.5.
Variant type: single nucleotide variant.
Coding change: c.3002T>G on transcript NM_000260.4 (MANE Select); coding-DNA position 3002, T replaced by G.
Protein change: p.Phe1001Cys; replaces phenylalanine 1001 with cysteine.
Molecular consequence: missense variant.
Genome position (GRCh38, 1-based): chr11:77,182,048, T>G. VCF-style: chr11-77182048-T-G. GRCh37 (hg19) VCF-style: chr11-76893094-T-G.
Other names: c.3002T>G, p.Phe1001Cys (NM_001127180.2); c.2969T>G, p.Phe990Cys (NM_001369365.1); short protein forms F1001C, F990C.
Identifiers: ClinVar variation 1424524 (VCV001424524.8), dbSNP rs575191791, ClinGen allele CA224841725.

ClinVar aggregate classification (germline): Uncertain significance. Review status: criteria provided, multiple submitters, no conflicts (2 of 4 stars). 3 submissions from 3 submitters: Uncertain significance (3). Last evaluated 2022-09-13.

Allele frequency attached by ClinVar (database versions not stated): gnomAD 0.00001; gnomAD exomes 0.00001 and 0.00002; ExAC 0.00003; 1000 Genomes Project 30x 0.00016; 1000 Genomes Project 0.00020.
gnomAD v4.1: 32 of 1,613,348 alleles (0.002%); highest among the groups gnomAD compares: South Asian, 0.034%; 1 homozygote.

Submissions (3):

Labcorp Genetics (formerly Invitae), Labcorp
Classification: Uncertain significance. Last evaluated: 2022-09-13. Review status: criteria provided, single submitter. Criteria: Invitae Variant Classification Sherloc (09022015). Collection method: clinical testing. Allele origin: germline.
Comment: This sequence change replaces phenylalanine, which is neutral and non-polar, with cysteine, which is neutral and slightly polar, at codon 1001 of the MYO7A protein (p.Phe1001Cys). This variant is present in population databases (rs575191791, gnomAD 0.01%). This variant has not been reported in the literature in individuals affected with MYO7A-related conditions. ClinVar contains an entry for this variant (Variation ID: 1424524). Advanced modeling of protein sequence and biophysical properties (such as structural, functional, and spatial information, amino acid conservation, physicochemical variation, residue mobility, and thermodynamic stability) performed at Invitae indicates that this missense variant is expected to disrupt MYO7A protein function. In summary, the available evidence is currently insufficient to determine the role of this variant in disease. Therefore, it has been classified as a Variant of Uncertain Significance.

Blueprint Genetics
Classification: Uncertain significance. Last evaluated: 2022-04-21. Review status: criteria provided, single submitter. Criteria: ACMG Guidelines, 2015. Collection method: clinical testing. Allele origin: germline.

Revvity Omics, Revvity
Classification: Uncertain significance. Last evaluated: 2019-02-28. Review status: criteria provided, single submitter. Criteria: ACMG Guidelines, 2015. Collection method: clinical testing. Allele origin: germline.